The following is an entry in ClinVar:

ClinVar aggregate classification (germline): Uncertain significance (1 of 4 stars; one submission).

Conditions:
Progressive familial heart block type IB (PFHB1B). Identifiers: Orphanet 871, MedGen C1970298, MONDO:0011474, OMIM 604559.

Submission:

Labcorp Genetics (formerly Invitae), Labcorp
Classification: Uncertain significance for Progressive familial heart block type IB. Last evaluated: 2024-05-15. Review status: criteria provided, single submitter. Criteria: Invitae Variant Classification Sherloc (09022015). Collection method: clinical testing. Allele origin: germline.
Comment: This variant, c.551_553del, results in the deletion of 1 amino acid(s) of the TRPM4 protein (p.Val184del), but otherwise preserves the integrity of the reading frame. This variant is not present in population databases (gnomAD no frequency). This variant has not been reported in the literature in individuals affected with TRPM4-related conditions. Experimental studies and prediction algorithms are not available or were not evaluated, and the functional significance of this variant is currently unknown. In summary, the available evidence is currently insufficient to determine the role of this variant in disease. Therefore, it has been classified as a Variant of Uncertain Significance.

NM_017636.4(TRPM4):c.548TGG[1] (p.Val184del)

Gene: TRPM4 (transient receptor potential cation channel subfamily M member 4; plus strand). Cytogenetic location: 19q13.33.
Variant type: Microsatellite.
Coding change: c.548TGG[1] on transcript NM_017636.4 (MANE Select); one copy of the 3-base unit TGG starting at c.548; the reference has two copies in a row; one copy, 3 bases deleted.
Protein change: p.Val184del; deletes valine 184.
Molecular consequence: intron variant (on NM_001321281.2). On other transcripts: 5 prime UTR variant (1).
Genome position (GRCh38, 1-based): chr19:49,168,362-49,168,364, TGG deleted; deleting any 3 consecutive bases within chr19:49,168,357-49,168,364 gives the same sequence; the position shown is the placement nearest the transcript's 3' end. VCF-style (leftmost placement, unchanged base first): chr19-49168356-AGGT-A. GRCh37 (hg19) VCF-style: chr19-49671613-AGGT-A.
Other names: c.268-191_268-189del (NM_001321281.2); c.-237-191_-237-189del (NM_001321285.2); c.548TGG[1], p.Val184del (NM_001195227.2); c.-1006TGG[1] (NM_001321282.2); c.26TGG[1], p.Val10del (NM_001321283.2); short protein forms V10del, V184del.
Identifiers: ClinVar variation 3653472 (VCV003653472.2).
Genomic context (GRCh38, chr19:49,168,356, plus strand): 5'-TCGGCCGGCATGTTGGTGTGGCTGTACGGGACCATCAGATGGCCAGCACTGGGGGCACCA[AGGT>A]GGTGGCCATGGGTGTGGCCCCCTGGGGTGTGGTCCGGAATAGAGACACCCTCATCAACCC-3'